The following is an entry in ClinVar:

NM_007194.4(CHEK2):c.1008+3A>G

Gene: CHEK2 (checkpoint kinase 2; minus strand). Cytogenetic location: 22q12.1.
Variant type: single nucleotide variant.
Coding change: c.1008+3A>G on transcript NM_007194.4 (MANE Select); 3 bases into the intron after coding-DNA position 1008, A replaced by G.
Molecular consequence: intron variant.
Genome position (GRCh38, 1-based): chr22:28,699,835, T>C on the plus strand (A>G on the coding strand, the complement: CHEK2 is on the minus strand). VCF-style: chr22-28699835-T-C. GRCh37 (hg19) VCF-style: chr22-29095823-T-C.
Other names: c.345+3A>G (NM_001437942.1, NM_001257387.3); c.807+3A>G (NM_001349956.3); c.1008+3A>G (NM_145862.3); c.1101+3A>G (NM_001438295.1, NM_001438293.1); c.1137+3A>G (NM_001438294.1, NM_001005735.3).
Identifiers: ClinVar variation 5034565 (VCV005034565.1).

ClinVar aggregate classification (germline): Uncertain significance (1 of 4 stars; one submission).

Conditions:
Hereditary cancer-predisposing syndrome. Also called: Hereditary Cancer Syndrome; Neoplastic Syndromes, Hereditary; Tumor predisposition; Hereditary neoplastic syndrome. Identifiers: Orphanet 140162, MedGen C0027672, MeSH D009386, MONDO:0015356.

Submission:

Ambry Genetics
Classification: Uncertain significance for Hereditary cancer-predisposing syndrome. Last evaluated: 2026-08-26. Review status: criteria provided, single submitter. Criteria: Ambry Variant Classification Scheme 2023. Collection method: clinical testing. Allele origin: germline.
Comment: The c.1008+3A>G intronic variant results from an A to G substitution 3 nucleotides after coding exon 8 in the CHEK2 gene. This nucleotide position is well conserved in available vertebrate species. In silico splice site analysis predicts that this alteration will not have any significant effect on splicing. Based on the available evidence, the clinical significance of this variant remains unclear.